The following is an entry in ClinVar:

NM_000346.4(SOX9):c.491A>C (p.Gln164Pro)

Gene: SOX9 (SRY-box transcription factor 9; plus strand). Cytogenetic location: 17q24.3.
Variant type: single nucleotide variant.
Coding change: c.491A>C on transcript NM_000346.4 (MANE Select); coding-DNA position 491, A replaced by C.
Protein change: p.Gln164Pro; replaces glutamine 164 with proline.
Molecular consequence: missense variant.
Genome position (GRCh38, 1-based): chr17:72,122,778, A>C. VCF-style: chr17-72122778-A-C. GRCh37 (hg19) VCF-style: chr17-70118919-A-C.
Other names: short protein forms Q164P.
Identifiers: ClinVar variation 617626 (VCV000617626.2), dbSNP rs1567910689, ClinGen allele CA400866407.

ClinVar aggregate classification (germline): Pathogenic (0 of 4 stars; one submission).

Conditions:
Camptomelic dysplasia (CMPD). Also called: CMPD1/SRA1; Campomelic Dysplasia. Identifiers: Orphanet 140, MedGen C1861922, MONDO:0007251, OMIM 114290.

Submission:

The Raphael Recanati Genetics Institute, Rabin Medical Center
Classification: Pathogenic for Camptomelic dysplasia. Last evaluated: 2018-09-13. Review status: no assertion criteria provided. Collection method: clinical testing. Allele origin: de novo. Affected: yes.
Comment: AD de novo